The following is an entry in ClinVar:

ClinVar aggregate classification (germline): Pathogenic (1 of 4 stars; one submission).

Conditions:
Cohen syndrome (COH1). Also called: PEPPER SYNDROME; Cutis verticis gyrata, retinitis pigmentosa, and sensorineural deafness. Identifiers: Orphanet 193, MedGen C0265223, MONDO:0008999, OMIM 216550.

gnomAD v4.1: 1 of 1,613,866 alleles (0.000062%); highest among the groups gnomAD compares: Non-Finnish European, 0.000085%; no homozygotes.

Submission:

Labcorp Genetics (formerly Invitae), Labcorp
Classification: Pathogenic for Cohen syndrome. Last evaluated: 2024-06-10. Review status: criteria provided, single submitter. Criteria: Invitae Variant Classification Sherloc (09022015). Collection method: clinical testing. Allele origin: germline.
Comment: This sequence change creates a premature translational stop signal (p.Ser3197*) in the VPS13B gene. It is expected to result in an absent or disrupted protein product. Loss-of-function variants in VPS13B are known to be pathogenic (PMID: 15141358, 16648375, 20461111). This variant is not present in population databases (gnomAD no frequency). This variant has not been reported in the literature in individuals affected with VPS13B-related conditions. For these reasons, this variant has been classified as Pathogenic.

Literature cited by the submitters: PubMed 15141358; PubMed 16648375; PubMed 20461111.

NM_152564.5(VPS13B):c.9515C>G (p.Ser3172Ter)

Gene: VPS13B (vacuolar protein sorting 13 homolog B; plus strand). Cytogenetic location: 8q22.2.
Variant type: single nucleotide variant.
Coding change: c.9515C>G on transcript NM_152564.5 (MANE Select); coding-DNA position 9515, C replaced by G.
Protein change: p.Ser3172Ter; replaces serine 3172 with a stop codon.
Molecular consequence: nonsense.
Genome position (GRCh38, 1-based): chr8:99,832,553, C>G. VCF-style: chr8-99832553-C-G. GRCh37 (hg19) VCF-style: chr8-100844781-C-G.
Other names: c.9590C>G, p.Ser3197Ter (NM_017890.5); short protein forms S3172*, S3197*.
Identifiers: ClinVar variation 3656133 (VCV003656133.2).
Genomic context (GRCh38, chr8:99,832,553, plus strand): 5'-CATCCCTGCTTCAGAAACAGATCATGCTGGGCTTTTCTCCTGCCCCAGGTGCTGACAGCT[C>G]ACAGTGCTGGAGCCTGCCAGCTATAGTTAGACCAGAGTTTCCCAGACAGAGTGTGGCAGT-3'